The following is an entry in ClinVar:

ClinVar aggregate classification (germline): Likely pathogenic. Review status: criteria provided, multiple submitters, no conflicts (2 of 4 stars). 2 submissions from 2 submitters: Likely pathogenic (2). Last evaluated 2025-04-13.

Conditions:
Hereditary cancer-predisposing syndrome. Also called: Tumor predisposition; Neoplastic Syndromes, Hereditary; Hereditary neoplastic syndrome; Hereditary Cancer Syndrome. Identifiers: Orphanet 140162, MedGen C0027672, MeSH D009386, MONDO:0015356.
Juvenile polyposis syndrome (JPS). Identifiers: Orphanet 2929, MedGen C0345893, MONDO:0017380, OMIM 174900.

Submissions (2):

Ambry Genetics
Classification: Likely pathogenic for Hereditary cancer-predisposing syndrome. Last evaluated: 2025-04-13. Review status: criteria provided, single submitter. Criteria: Ambry Variant Classification Scheme 2023. Collection method: clinical testing. Allele origin: germline.
Comment: The c.1166+1G>A intronic variant results from a G to A substitution one nucleotide after coding exon 8 of the BMPR1A gene. This variant is considered to be rare based on population cohorts in the Genome Aggregation Database (gnomAD). This nucleotide position is highly conserved in available vertebrate species. In silico splice site analysis predicts that this alteration will weaken the native splice donor site. Alterations that disrupt the canonical splice site are expected to cause aberrant splicing, resulting in an abnormal protein or a transcript that is subject to nonsense-mediated mRNA decay. As such, this alteration is classified as likely pathogenic.

Labcorp Genetics (formerly Invitae), Labcorp
Classification: Likely pathogenic for Juvenile polyposis syndrome. Last evaluated: 2020-06-26. Review status: criteria provided, single submitter. Criteria: Invitae Variant Classification Sherloc (09022015). Collection method: clinical testing. Allele origin: germline.
Comment: This sequence change affects a donor splice site in intron 10 of the BMPR1A gene. It is expected to disrupt RNA splicing and likely results in an absent or disrupted protein product. This variant is not present in population databases (ExAC no frequency). This variant has not been reported in the literature in individuals with BMPR1A-related conditions. Algorithms developed to predict the effect of sequence changes on RNA splicing suggest that this variant may disrupt the consensus splice site, but this prediction has not been confirmed by published transcriptional studies. Donor and acceptor splice site variants typically lead to a loss of protein function (PMID: 16199547), and loss-of-function variants in BMPR1A are known to be pathogenic (PMID: 11536076, 12417513). In summary, the currently available evidence indicates that the variant is pathogenic, but additional data are needed to prove that conclusively. Therefore, this variant has been classified as Likely Pathogenic.

Literature cited by the submitters: PubMed 16199547 (cited by Labcorp Genetics (formerly Invitae), Labcorp); PubMed 11536076 (cited by Labcorp Genetics (formerly Invitae), Labcorp); PubMed 12417513 (cited by Labcorp Genetics (formerly Invitae), Labcorp).

NM_004329.3(BMPR1A):c.1166+1G>A

Gene: BMPR1A (bone morphogenetic protein receptor type 1A; plus strand). Cytogenetic location: 10q23.2.
Variant type: single nucleotide variant.
Coding change: c.1166+1G>A on transcript NM_004329.3 (MANE Select); the canonical splice donor site of the intron after coding-DNA position 1166, G replaced by A.
Molecular consequence: splice donor variant.
Genome position (GRCh38, 1-based): chr10:86,919,470, G>A. VCF-style: chr10-86919470-G-A. GRCh37 (hg19) VCF-style: chr10-88679227-G-A.
Other names: c.1166+1G>A (NM_004329.2, NM_001406562.1, NM_001406568.1 and 20 more transcripts); c.1082+1G>A (NM_001406584.1, NM_001406588.1, NM_001406587.1 and 2 more transcripts); c.1214+1G>A (NM_001406560.1); c.1241+1G>A (NM_001406559.1); c.1160+1G>A (NM_001406583.1); c.824+1G>A (NM_001406589.1).
Identifiers: ClinVar variation 1066654 (VCV001066654.8), dbSNP rs2133594398, ClinGen allele CA377461363.